The following is an entry in ClinVar:

NM_004304.5(ALK):c.2763C>G (p.Phe921Leu)

Gene: ALK (ALK receptor tyrosine kinase; minus strand). Cytogenetic location: 2p23.2.
Variant type: single nucleotide variant.
Coding change: c.2763C>G on transcript NM_004304.5 (MANE Select); coding-DNA position 2763, C replaced by G.
Protein change: p.Phe921Leu; replaces phenylalanine 921 with leucine.
Molecular consequence: missense variant.
Genome position (GRCh38, 1-based): chr2:29,228,936, G>C on the plus strand (C>G on the coding strand, the complement: ALK is on the minus strand). VCF-style: chr2-29228936-G-C. GRCh37 (hg19) VCF-style: chr2-29451802-G-C.
Other names: short protein forms F921L.
Identifiers: ClinVar variation 1319121 (VCV001319121.4), dbSNP rs201042802, ClinGen allele CA1594206.

ClinVar aggregate classification (germline): Conflicting classifications of pathogenicity. Review status: criteria provided, conflicting classifications (1 of 4 stars). 2 submissions from 2 submitters: Uncertain significance (1); Benign (1). Last evaluated 2024-07-19.

Conditions:
Hereditary cancer-predisposing syndrome. Also called: Hereditary neoplastic syndrome; Neoplastic Syndromes, Hereditary; Tumor predisposition; Hereditary Cancer Syndrome. Identifiers: Orphanet 140162, MedGen C0027672, MeSH D009386, MONDO:0015356.

Submissions (2):

Ambry Genetics
Classification: Uncertain significance for Hereditary cancer-predisposing syndrome. Last evaluated: 2024-07-19. Review status: criteria provided, single submitter. Criteria: Ambry Variant Classification Scheme 2023. Collection method: clinical testing. Allele origin: germline.
Comment: The p.F921L variant (also known as c.2763C>G), located in coding exon 16 of the ALK gene, results from a C to G substitution at nucleotide position 2763. The phenylalanine at codon 921 is replaced by leucine, an amino acid with highly similar properties. This amino acid position is highly conserved in available vertebrate species. In addition, this alteration is predicted to be tolerated by in silico analysis. Based on the available evidence, the clinical significance of this variant remains unclear.

Institute for Clinical Genetics, University Hospital TU Dresden, University Hospital TU Dresden
Classification: Benign. Last evaluated: 2021-11-03. Review status: criteria provided, single submitter. Criteria: ACMG Guidelines, 2015. Collection method: clinical testing. Allele origin: germline.